The following is an entry in ClinVar:

NM_014239.4(EIF2B2):c.947T>A (p.Val316Asp)

Gene: EIF2B2 (eukaryotic translation initiation factor 2B subunit beta; plus strand). Cytogenetic location: 14q24.3.
Variant type: single nucleotide variant.
Coding change: c.947T>A on transcript NM_014239.4 (MANE Select); coding-DNA position 947, T replaced by A.
Protein change: p.Val316Asp; replaces valine 316 with aspartic acid.
Molecular consequence: missense variant.
Genome position (GRCh38, 1-based): chr14:75,009,079, T>A. VCF-style: chr14-75009079-T-A. GRCh37 (hg19) VCF-style: chr14-75475782-T-A.
Other names: c.947T>A (NM_014239.3); short protein forms V316D.
Identifiers: ClinVar variation 4337 (VCV000004337.49), dbSNP rs104894426, ClinGen allele CA340227.

ClinVar aggregate classification (germline): Pathogenic/Likely pathogenic. Review status: criteria provided, multiple submitters, no conflicts (2 of 4 stars). 5 submissions from 5 submitters: Pathogenic (1); Likely pathogenic (3). 1 of the submissions does not count toward it. Last evaluated 2024-02-23.

Conditions:
Leukoencephalopathy with vanishing white matter 2 (VWM2). Also called: Leukoencephalopathy with vanishing white matter 2, with or without ovarian failure; EIF2B2-Related Childhood Ataxia with Central Nervous System Hypomyelination/Vanishing White Matter. Identifiers: MedGen C5830404, MONDO:0957870, OMIM 620312.
Vanishing white matter disease. Also called: Childhood ataxia with diffuse central nervous system hypomyelination; Leukoencephalopathy with vanishing white matter; CACH/VWM syndrome; Cree leukoencehalopathy; CACH syndrome. Identifiers: Orphanet 135, Orphanet 99853, MedGen C1858991, MONDO:0800448.

Allele frequency attached by ClinVar (database versions not stated): gnomAD 0.00001; gnomAD exomes 0.00001 and 0.00002; ExAC 0.00002.
gnomAD v4.1: 11 of 1,614,024 alleles (0.00068%); highest among the groups gnomAD compares: East Asian, 0.0022%; no homozygotes.

Submissions (5):

Labcorp Genetics (formerly Invitae), Labcorp
Classification: Pathogenic. Last evaluated: 2024-02-23. Review status: criteria provided, single submitter. Criteria: Invitae Variant Classification Sherloc (09022015). Collection method: clinical testing. Allele origin: germline.
Comment: This sequence change replaces valine, which is neutral and non-polar, with aspartic acid, which is acidic and polar, at codon 316 of the EIF2B2 protein (p.Val316Asp). This variant is present in population databases (rs104894426, gnomAD 0.006%). This missense change has been observed in individuals with leukoencephalopathy with vanishing white matter (PMID: 11704758, 33432707). ClinVar contains an entry for this variant (Variation ID: 4337). Advanced modeling of protein sequence and biophysical properties (such as structural, functional, and spatial information, amino acid conservation, physicochemical variation, residue mobility, and thermodynamic stability) performed at Invitae indicates that this missense variant is expected to disrupt EIF2B2 protein function with a positive predictive value of 80%. Experimental studies have shown that this missense change affects EIF2B2 function (PMID: 14993275, 15060152). For these reasons, this variant has been classified as Pathogenic.

Fulgent Genetics
Classification: Likely pathogenic for Leukoencephalopathy with vanishing white matter 2. Last evaluated: 2024-01-06. Review status: criteria provided, single submitter. Criteria: ACMG Guidelines, 2015. Collection method: clinical testing. Allele origin: germline.

Women's Health and Genetics/Laboratory Corporation of America, LabCorp
Classification: Likely pathogenic for Vanishing white matter disease. Last evaluated: 2023-02-27. Review status: criteria provided, single submitter. Criteria: LabCorp Variant Classification Summary - May 2015. Collection method: clinical testing. Allele origin: germline.
Comment: Variant summary: EIF2B2 c.947T>A (p.Val316Asp) results in a non-conservative amino acid change in the encoded protein sequence. Five of five in-silico tools predict a damaging effect of the variant on protein function. The variant allele was found at a frequency of 1.6e-05 in 251478 control chromosomes. c.947T>A has been reported in the literature in individuals affected with Leukoencephalopathy With Vanishing White Matter, in compound heterozygosity with pathogenic variants (Leegwater_2001, Slynko_2020). These data indicate that the variant is likely to be associated with disease. Experimental studies reported the vairant to have significantly reduced eIF2B activity (Richardson_2004) and partial loss of activity with reduced efficienciency to form holocomplexes (Li_2004). One clinical diagnostic laboratory has submitted clinical-significance assessments for this variant to ClinVar after 2014 without evidence for independent evaluation. One laboratory classified the variant as likely pathogenic. Based on the evidence outlined above, the variant was classified as likely pathogenic.

CeGaT Center for Human Genetics Tuebingen
Classification: Likely pathogenic. Last evaluated: 2019-03-01. Review status: criteria provided, single submitter. Criteria: CeGaT Center For Human Genetics Tuebingen Variant Classification Criteria Version 2. Collection method: clinical testing. Allele origin: germline. Affected: yes. Observed: 1 variant allele.

OMIM
Classification: Pathogenic for LEUKOENCEPHALOPATHY WITH VANISHING WHITE MATTER 2. Last evaluated: 2001-12-01. Review status: no assertion criteria provided. Collection method: literature only. Allele origin: germline. Not counted in ClinVar's aggregate classification.

Literature cited by the submitters: PubMed 11704758 (cited by 3 submitters); PubMed 33432707 (cited by Labcorp Genetics (formerly Invitae), Labcorp and Women's Health and Genetics/Laboratory Corporation of America, LabCorp); PubMed 14993275 (cited by Labcorp Genetics (formerly Invitae), Labcorp and Women's Health and Genetics/Laboratory Corporation of America, LabCorp); PubMed 15060152 (cited by Labcorp Genetics (formerly Invitae), Labcorp and Women's Health and Genetics/Laboratory Corporation of America, LabCorp).